The following is an entry in ClinVar:

NM_000492.4(CFTR):c.180G>C (p.Glu60Asp)

Genes: CFTR (CF transmembrane conductance regulator; plus strand), LOC113664106 (CFTR intron 2 DNase I hypersensitive site; plus strand). Cytogenetic location: 7q31.2.
Variant type: single nucleotide variant.
Coding change: c.180G>C on transcript NM_000492.4 (MANE Select); coding-DNA position 180, G replaced by C.
Protein change: p.Glu60Asp; replaces glutamic acid 60 with aspartic acid.
Molecular consequence: missense variant.
Genome position (GRCh38, 1-based): chr7:117,509,049, G>C. VCF-style: chr7-117509049-G-C. GRCh37 (hg19) VCF-style: chr7-117149103-G-C.
Other names: short protein forms E60D.
Identifiers: ClinVar variation 595751 (VCV000595751.9), dbSNP rs569426839, ClinGen allele CA4450665.
Genomic context (GRCh38, chr7:117,509,049, plus strand): 5'-ATTTGCACATGCAACTTATTGGTCCCACTTTTTATTCTTTTGCAGAGAATGGGATAGAGA[G>C]CTGGCTTCAAAGAAAAATCCTAAACTCATTAATGCCCTTCGGCGATGTTTTTTCTGGAGA-3'
Protein context (NP_000483.3, residues 50-70): SEKLEREWDR[Glu60Asp]LASKKNPKLI

ClinVar aggregate classification (germline): Uncertain significance. Review status: criteria provided, multiple submitters, no conflicts (2 of 4 stars). 3 submissions from 3 submitters: Uncertain significance (3). Last evaluated 2025-01-15.

Conditions:
Cystic fibrosis (CF). Also called: MUCOVISCIDOSIS. Identifiers: Orphanet 586, MedGen C0010674, MONDO:0009061, OMIM 219700. Disease mechanism: loss of function.

Allele frequency attached by ClinVar (database versions not stated): gnomAD 0.00003.
gnomAD v4.1: 7 of 1,609,518 alleles (0.00043%); highest among the groups gnomAD compares: Admixed American, 0.012%; no homozygotes.

Submissions (3):

Quest Diagnostics Nichols Institute San Juan Capistrano
Classification: Uncertain significance. Last evaluated: 2025-01-15. Review status: criteria provided, single submitter. Criteria: Quest Diagnostics criteria. Collection method: clinical testing. Allele origin: unknown.
Comment: The CFTR c.180G>C (p.Glu60Asp) variant has not been reported in individuals with CFTR-related conditions in the published literature. The frequency of this variant in the general population (Genome Aggregation Database) is uninformative in the assessment of its pathogenicity. Analysis of this variant using bioinformatics tools for the prediction of the effect of amino acid changes on protein structure and function yielded predictions that this variant is damaging. Based on the available information, we are unable to determine the clinical significance of this variant.

Ambry Genetics
Classification: Uncertain significance for Cystic fibrosis. Last evaluated: 2024-12-13. Review status: criteria provided, single submitter. Criteria: Ambry Variant Classification Scheme 2023. Collection method: clinical testing. Allele origin: germline.
Comment: The p.E60D variant (also known as c.180G>C), located in coding exon 3 of the CFTR gene, results from a G to C substitution at nucleotide position 180. The glutamic acid at codon 60 is replaced by aspartic acid, an amino acid with highly similar properties. This amino acid position is highly conserved in available vertebrate species. In addition, the in silico prediction for this alteration is inconclusive. Based on the available evidence, the clinical significance of this variant remains unclear.

Eurofins Ntd Llc (ga)
Classification: Uncertain significance. Last evaluated: 2018-01-11. Review status: criteria provided, single submitter. Criteria: EGL Classification Definitions 2015. Collection method: clinical testing. Allele origin: germline. Observed: 1 variant allele, 1 heterozygote.

Literature cited by the submitters: PubMed 38271453 (cited by Quest Diagnostics Nichols Institute San Juan Capistrano).